The following is an entry in ClinVar:

NM_001358921.2(COQ2):c.367C>T (p.Arg123Cys)

Gene: COQ2 (coenzyme Q2, polyprenyltransferase; minus strand). Cytogenetic location: 4q21.23.
Variant type: single nucleotide variant.
Coding change: c.367C>T on transcript NM_001358921.2 (MANE Select); coding-DNA position 367, C replaced by T.
Protein change: p.Arg123Cys; replaces arginine 123 with cysteine.
Molecular consequence: missense variant.
Genome position (GRCh38, 1-based): chr4:83,279,001, G>A on the plus strand (C>T on the coding strand, the complement: COQ2 is on the minus strand). VCF-style: chr4-83279001-G-A. GRCh37 (hg19) VCF-style: chr4-84200154-G-A.
Other names: p.Arg123Cys; c.517C>T, p.Arg173Cys (NM_015697.9); short protein forms R123C, R173C.
Identifiers: ClinVar variation 3899231 (VCV003899231.1).

ClinVar aggregate classification (germline): Likely pathogenic. Review status: criteria provided, multiple submitters, no conflicts (2 of 4 stars). 2 submissions from 2 submitters: Likely pathogenic (2). Last evaluated 2025-08-25.

Conditions:
Coenzyme Q10 deficiency, primary, 1. Also called: UBIQUINONE DEFICIENCY 1; COENZYME Q DEFICIENCY 1; CoQ DEFICIENCY 1. Identifiers: Orphanet 255249, MedGen C3551954, MONDO:0011829, OMIM 607426.

gnomAD v4.1: 3 of 1,608,454 alleles (0.00019%); highest among the groups gnomAD compares: East Asian, 0.0022%; no homozygotes.

Submissions (2):

First Genomix Gene Laboratory, Genetic Diagnostics Department
Classification: Likely pathogenic for Coenzyme Q10 deficiency, primary, 1. Last evaluated: 2025-08-25. Review status: criteria provided, single submitter. Criteria: ACMG Guidelines, 2015. Collection method: clinical testing. Allele origin: germline. Inheritance: Autosomal recessive inheritance. Affected: no. Observed: 1 variant allele.

Molecular Diagnostics Laboratory, M Health Fairview: University of Minnesota
Classification: Likely pathogenic for Coenzyme Q10 deficiency, primary, 1. Last evaluated: 2025-04-14. Review status: criteria provided, single submitter. Criteria: ACMG Guidelines, 2015. Collection method: clinical testing. Allele origin: germline. Affected: yes.
Comment: Confirmed in trans with another COQ2 variant